The following is an entry in ClinVar:

NM_001270974.2(HYDIN):c.9042G>A (p.Arg3014=)

Gene: HYDIN (HYDIN axonemal central pair apparatus protein; minus strand). Cytogenetic location: 16q22.2.
Variant type: single nucleotide variant.
Coding change: c.9042G>A on transcript NM_001270974.2 (MANE Select); coding-DNA position 9042, G replaced by A.
Protein change: p.Arg3014=; no amino-acid change (arginine 3014 retained).
Molecular consequence: synonymous variant.
Genome position (GRCh38, 1-based): chr16:70,901,010, C>T on the plus strand (G>A on the coding strand, the complement: HYDIN is on the minus strand). VCF-style: chr16-70901010-C-T. GRCh37 (hg19) VCF-style: chr16-70934913-C-T.
Identifiers: ClinVar variation 2646728 (VCV002646728.25), dbSNP rs753314538, ClinGen allele CA8149645.

ClinVar aggregate classification (germline): Likely benign. Review status: criteria provided, multiple submitters, no conflicts (2 of 4 stars). 2 submissions from 2 submitters: Likely benign (2). Last evaluated 2026-04-01.

Allele frequency attached by ClinVar (database versions not stated): ExAC 0.00169.

Submissions (2):

CeGaT Center for Human Genetics Tuebingen
Classification: Likely benign. Last evaluated: 2026-04-01. Review status: criteria provided, single submitter. Criteria: CeGaT Center For Human Genetics Tuebingen Variant Classification Criteria Version 2. Collection method: clinical testing. Allele origin: germline. Affected: yes. Observed: 4 variant alleles.
Comment: HYDIN: PM2:Supporting, BP4, BP7

Blueprint Genetics
Classification: Likely benign. Last evaluated: 2024-11-27. Review status: criteria provided, single submitter. Criteria: ACMG Guidelines, 2015. Collection method: clinical testing. Allele origin: germline.